The following is an entry in ClinVar:

NM_000755.5(CRAT):c.1318_1325del (p.Ala440fs)

Gene: CRAT (carnitine O-acetyltransferase; minus strand). Cytogenetic location: 9q34.11.
Variant type: Deletion.
Coding change: c.1318_1325del on transcript NM_000755.5 (MANE Select); coding-DNA positions 1318 to 1325, 8 bases deleted (GCCTACTA; older notation c.1318_1325delGCCTACTA).
Protein change: p.Ala440fs; shifts the reading frame from alanine 440.
Molecular consequence: frameshift variant.
Genome position (GRCh38, 1-based): chr9:129,098,252-129,098,259, TAGTAGGC deleted on the plus strand (GCCTACTA on the coding strand, the reverse complement: CRAT is on the minus strand). VCF-style (leftmost placement, unchanged base first): chr9-129098251-GTAGTAGGC-G. GRCh37 (hg19) VCF-style: chr9-131860530-GTAGTAGGC-G.
Other names: c.1255_1262del, p.Ala419fs (NM_001257363.3, NM_001346548.2, NM_004003.4); c.1321_1328del, p.Ala441fs (NM_001346546.2); c.1318_1325del, p.Ala440fs (NM_001346547.2); c.1198_1205del, p.Ala400fs (NM_001346549.2); short protein forms A419fs, A441fs, A400fs, A440fs.
Identifiers: ClinVar variation 4770998 (VCV004770998.1).

ClinVar aggregate classification (germline): Uncertain significance (1 of 4 stars; one submission).

Submission:

Labcorp Genetics (formerly Invitae), Labcorp
Classification: Uncertain significance. Last evaluated: 2025-12-23. Review status: criteria provided, single submitter. Criteria: Invitae Variant Classification Sherloc (09022015). Collection method: clinical testing. Allele origin: germline.
Comment: This sequence change creates a premature translational stop signal (p.Ala440Glnfs*11) in the CRAT gene. It is expected to result in an absent or disrupted protein product. However, the current clinical and genetic evidence is not sufficient to establish whether loss-of-function variants in CRAT cause disease. This variant is present in population databases (rs767591349, gnomAD 0.0009%). This variant has not been reported in the literature in individuals affected with CRAT-related conditions. In summary, the available evidence is currently insufficient to determine the role of this variant in disease. Therefore, it has been classified as a Variant of Uncertain Significance.